The following is an entry in ClinVar:

ClinVar aggregate classification (germline): Uncertain significance (1 of 4 stars; one submission).

Allele frequency attached by ClinVar (database versions not stated): gnomAD exomes below 0.00001; TOPMed 0.00001.
gnomAD v4.1: 6 of 1,614,214 alleles (0.00037%); highest among the groups gnomAD compares: Non-Finnish European, 0.00034%; no homozygotes.

Submission:

Labcorp Genetics (formerly Invitae), Labcorp
Classification: Uncertain significance. Last evaluated: 2024-08-07. Review status: criteria provided, single submitter. Criteria: Invitae Variant Classification Sherloc (09022015). Collection method: clinical testing. Allele origin: germline.
Comment: This sequence change replaces serine, which is neutral and polar, with threonine, which is neutral and polar, at codon 1268 of the COL2A1 protein (p.Ser1268Thr). This variant is not present in population databases (gnomAD no frequency). This variant has not been reported in the literature in individuals affected with COL2A1-related conditions. ClinVar contains an entry for this variant (Variation ID: 2014766). Advanced modeling of protein sequence and biophysical properties (such as structural, functional, and spatial information, amino acid conservation, physicochemical variation, residue mobility, and thermodynamic stability) performed at Invitae indicates that this missense variant is not expected to disrupt COL2A1 protein function with a negative predictive value of 95%. In summary, the available evidence is currently insufficient to determine the role of this variant in disease. Therefore, it has been classified as a Variant of Uncertain Significance.

NM_001844.5(COL2A1):c.3803G>C (p.Ser1268Thr)

Gene: COL2A1 (collagen type II alpha 1 chain; minus strand). Cytogenetic location: 12q13.11.
Variant type: single nucleotide variant.
Coding change: c.3803G>C on transcript NM_001844.5 (MANE Select); coding-DNA position 3803, G replaced by C.
Protein change: p.Ser1268Thr; replaces serine 1268 with threonine.
Molecular consequence: missense variant.
Genome position (GRCh38, 1-based): chr12:47,975,400, C>G on the plus strand (G>C on the coding strand, the complement: COL2A1 is on the minus strand). VCF-style: chr12-47975400-C-G. GRCh37 (hg19) VCF-style: chr12-48369183-C-G.
Other names: c.3596G>C, p.Ser1199Thr (NM_033150.3); short protein forms S1199T, S1268T.
Identifiers: ClinVar variation 2014766 (VCV002014766.4), dbSNP rs1938650609, ClinGen allele CA384536642.